The following is an entry in ClinVar:

NM_004995.4(MMP14):c.830G>A (p.Arg277Gln)

Gene: MMP14 (matrix metallopeptidase 14; plus strand). Cytogenetic location: 14q11.2.
Variant type: single nucleotide variant.
Coding change: c.830G>A on transcript NM_004995.4 (MANE Select); coding-DNA position 830, G replaced by A.
Protein change: p.Arg277Gln; replaces arginine 277 with glutamine.
Molecular consequence: missense variant.
Genome position (GRCh38, 1-based): chr14:22,843,398, G>A. VCF-style: chr14-22843398-G-A. GRCh37 (hg19) VCF-style: chr14-23312607-G-A.
Other names: short protein forms R277Q.
Identifiers: ClinVar variation 2158580 (VCV002158580.4), dbSNP rs142651327, ClinGen allele CA7105258.

ClinVar aggregate classification (germline): Uncertain significance (1 of 4 stars; one submission).

Allele frequency attached by ClinVar (database versions not stated): ExAC 0.00002; gnomAD exomes 0.00003; gnomAD 0.00005; TOPMed 0.00005; ESP Exome Variant Server 0.00008.
gnomAD v4.1: 51 of 1,613,510 alleles (0.0032%); highest among the groups gnomAD compares: Middle Eastern, 0.017%; no homozygotes.

Submission:

Labcorp Genetics (formerly Invitae), Labcorp
Classification: Uncertain significance. Last evaluated: 2025-12-08. Review status: criteria provided, single submitter. Criteria: Invitae Variant Classification Sherloc (09022015). Collection method: clinical testing. Allele origin: germline.
Comment: This sequence change replaces arginine, which is basic and polar, with glutamine, which is neutral and polar, at codon 277 of the MMP14 protein (p.Arg277Gln). This variant is present in population databases (rs142651327, gnomAD 0.006%). This variant has not been reported in the literature in individuals affected with MMP14-related conditions. ClinVar contains an entry for this variant (Variation ID: 2158580). Invitae Evidence Modeling of protein sequence and biophysical properties (such as structural, functional, and spatial information, amino acid conservation, physicochemical variation, residue mobility, and thermodynamic stability) indicates that this missense variant is not expected to disrupt MMP14 protein function with a negative predictive value of 80%. In summary, the available evidence is currently insufficient to determine the role of this variant in disease. Therefore, it has been classified as a Variant of Uncertain Significance.